The following is an entry in ClinVar:

NM_000090.4(COL3A1):c.3422C>T (p.Pro1141Leu)

Gene: COL3A1 (collagen type III alpha 1 chain; plus strand). Cytogenetic location: 2q32.2.
Variant type: single nucleotide variant.
Coding change: c.3422C>T on transcript NM_000090.4 (MANE Select); coding-DNA position 3422, C replaced by T.
Protein change: p.Pro1141Leu; replaces proline 1141 with leucine.
Molecular consequence: missense variant.
Genome position (GRCh38, 1-based): chr2:189,008,039, C>T. VCF-style: chr2-189008039-C-T. GRCh37 (hg19) VCF-style: chr2-189872765-C-T.
Other names: short protein forms P1141L.
Identifiers: ClinVar variation 1172446 (VCV001172446.4), dbSNP rs1576472883, ClinGen allele CA349846306.

ClinVar aggregate classification (germline): Uncertain significance. Review status: criteria provided, multiple submitters, no conflicts (2 of 4 stars). 2 submissions from 2 submitters: Uncertain significance (2). Last evaluated 2024-07-24.

Conditions:
Familial thoracic aortic aneurysm and aortic dissection (TAAD). Also called: Thoracic aortic aneurysms and dissections. Identifiers: Orphanet 91387, MedGen C4707243, MONDO:0019625.

Submissions (2):

GeneDx
Classification: Uncertain significance. Last evaluated: 2024-07-24. Review status: criteria provided, single submitter. Criteria: GeneDx Variant Classification Process June 2021. Collection method: clinical testing. Allele origin: germline. Affected: yes.
Comment: Not observed at significant frequency in large population cohorts (gnomAD); In silico analysis supports that this missense variant has a deleterious effect on protein structure/function; Has not been previously published as pathogenic or benign to our knowledge

Color Diagnostics, LLC DBA Color Health
Classification: Uncertain significance for Familial thoracic aortic aneurysm and aortic dissection. Last evaluated: 2024-03-06. Review status: criteria provided, single submitter. Criteria: ACMG Guidelines, 2015. Collection method: clinical testing. Allele origin: germline.
Comment: This missense variant replaces proline with leucine at codon 1141 of the COL3A1 protein. Computational prediction suggests that this variant may not impact protein structure and function (internally defined REVEL score threshold <= 0.5, PMID: 27666373). To our knowledge, functional studies have not been reported for this variant. This variant has not been reported in individuals affected with cardiovascular disorders in the literature. This variant has not been identified in the general population by the Genome Aggregation Database (gnomAD). The available evidence is insufficient to determine the role of this variant in disease conclusively. Therefore, this variant is classified as a Variant of Uncertain Significance.